The following is an entry in ClinVar:

NC_000011.9:g.(?_65306531)_(65325450_?)dup

Gene: LTBP3 (latent transforming growth factor beta binding protein 3; minus strand). Cytogenetic location: 11q13.1.
Variant type: Duplication.
Identifiers: ClinVar variation 2423784 (VCV002423784.4).

ClinVar aggregate classification (germline): Uncertain significance (1 of 4 stars; one submission).

Conditions:
Brachyolmia-amelogenesis imperfecta syndrome. Also called: PLATYSPONDYLY WITH AMELOGENESIS IMPERFECTA; Tooth agenesis, selective, 6; Dental anomalies and short stature. Identifiers: Orphanet 2899, MedGen C1832594, MONDO:0011018, OMIM 601216. Disease mechanism: loss of function.

Submission:

Labcorp Genetics (formerly Invitae), Labcorp
Classification: Uncertain significance for Brachyolmia-amelogenesis imperfecta syndrome. Last evaluated: 2022-03-07. Review status: criteria provided, single submitter. Criteria: Invitae Variant Classification Sherloc (09022015). Collection method: clinical testing. Allele origin: germline.
Comment: A copy number gain of the genomic region encompassing the full coding sequence of the LTBP3 gene has been identified. The boundaries of this event are unknown as they extend beyond the assayed region for this gene and therefore may encompass additional genes. As the precise location of this event is unknown, it may be in tandem or it may be located elsewhere in the genome. This variant has not been reported in the literature in individuals affected with LTBP3-related conditions. In summary, the available evidence is currently insufficient to determine the role of this variant in disease. Therefore, it has been classified as a Variant of Uncertain Significance.